The following is an entry in ClinVar:

NM_001200.4(BMP2):c.367G>A (p.Glu123Lys)

Gene: BMP2 (bone morphogenetic protein 2; plus strand). Cytogenetic location: 20p12.3.
Variant type: single nucleotide variant.
Coding change: c.367G>A on transcript NM_001200.4 (MANE Select); coding-DNA position 367, G replaced by A.
Protein change: p.Glu123Lys; replaces glutamic acid 123 with lysine.
Molecular consequence: missense variant.
Genome position (GRCh38, 1-based): chr20:6,778,265, G>A. VCF-style: chr20-6778265-G-A. GRCh37 (hg19) VCF-style: chr20-6758912-G-A.
Other names: short protein forms E123K.
Identifiers: ClinVar variation 3354501 (VCV003354501.1).
Genomic context (GRCh38, chr20:6,778,265, plus strand): 5'-ACTTTTCTTTTTTCTTCCCTGTTTTTCTCTATCAAATTAGAATCTTTGGAAGAACTACCA[G>A]AAACGAGTGGGAAAACAACCCGGAGATTCTTCTTTAATTTAAGTTCTATCCCCACGGAGG-3'
Protein context (NP_001191.1, residues 113-133): HHEESLEELP[Glu123Lys]TSGKTTRRFF

ClinVar aggregate classification (germline): Uncertain significance (0 of 4 stars; one submission).

Conditions:
BMP2-related disorder. Also called: BMP2-related condition.

Submission:

PreventionGenetics, part of Exact Sciences
Classification: Uncertain significance for BMP2-related condition. Last evaluated: 2024-04-27. Review status: no assertion criteria provided. Collection method: clinical testing. Allele origin: germline.
Comment: The BMP2 c.367G>A variant is predicted to result in the amino acid substitution p.Glu123Lys. To our knowledge, this variant has not been reported in the literature. This variant is reported in 0.0057% of alleles in individuals of East Asian descent in gnomAD. At this time, the clinical significance of this variant is uncertain due to the absence of conclusive functional and genetic evidence.